The following is an entry in ClinVar:

ClinVar aggregate classification (germline): Uncertain significance (1 of 4 stars; one submission).

Conditions:
Hereditary cancer-predisposing syndrome. Also called: Neoplastic Syndromes, Hereditary; Tumor predisposition; Hereditary neoplastic syndrome; Hereditary Cancer Syndrome. Identifiers: Orphanet 140162, MedGen C0027672, MeSH D009386, MONDO:0015356.

Submission:

Ambry Genetics
Classification: Uncertain significance for Hereditary cancer-predisposing syndrome. Last evaluated: 2024-03-10. Review status: criteria provided, single submitter. Criteria: Ambry Variant Classification Scheme 2023. Collection method: clinical testing. Allele origin: germline.
Comment: The p.W114R variant (also known as c.340T>A), located in coding exon 2 of the CHEK2 gene, results from a T to A substitution at nucleotide position 340. The tryptophan at codon 114 is replaced by arginine, an amino acid with dissimilar properties. This amino acid position is conserved. In addition, this alteration is predicted to be deleterious by in silico analysis. Based on the available evidence, the clinical significance of this alteration remains unclear.

NM_007194.4(CHEK2):c.340T>A (p.Trp114Arg)

Gene: CHEK2 (checkpoint kinase 2; minus strand). Cytogenetic location: 22q12.1.
Variant type: single nucleotide variant.
Coding change: c.340T>A on transcript NM_007194.4 (MANE Select); coding-DNA position 340, T replaced by A.
Protein change: p.Trp114Arg; replaces tryptophan 114 with arginine.
Molecular consequence: missense variant.
Genome position (GRCh38, 1-based): chr22:28,725,347, A>T on the plus strand (T>A on the coding strand, the complement: CHEK2 is on the minus strand). VCF-style: chr22-28725347-A-T. GRCh37 (hg19) VCF-style: chr22-29121335-A-T.
Other names: c.469T>A, p.Trp157Arg (NM_001005735.3); c.-438T>A (NM_001257387.3); c.340T>A, p.Trp114Arg (NM_001349956.3, NM_145862.3); short protein forms W114R, W157R.
Identifiers: ClinVar variation 3226034 (VCV003226034.1), dbSNP rs1555927378, ClinGen allele CA411108229.